The following is an entry in ClinVar:

ClinVar aggregate classification (germline): Uncertain significance (1 of 4 stars; one submission).

Conditions:
Ullrich congenital muscular dystrophy 2 (UCMD2). Identifiers: Orphanet 75840, MedGen C4225314, MONDO:0014654, OMIM 616470.
Bethlem myopathy 2 (BTHLM2). Identifiers: Orphanet 536516, Orphanet 610, MedGen C4225313, MONDO:0034022, OMIM 616471.

Submission:

Labcorp Genetics (formerly Invitae), Labcorp
Classification: Uncertain significance for Bethlem myopathy 2; Ullrich congenital muscular dystrophy 2. Last evaluated: 2023-11-12. Review status: criteria provided, single submitter. Criteria: Invitae Variant Classification Sherloc (09022015). Collection method: clinical testing. Allele origin: germline.
Comment: This sequence change falls in intron 5 of the COL12A1 gene. It does not directly change the encoded amino acid sequence of the COL12A1 protein. It affects a nucleotide within the consensus splice site. This variant is not present in population databases (gnomAD no frequency). This variant has not been reported in the literature in individuals affected with COL12A1-related conditions. Variants that disrupt the consensus splice site are a relatively common cause of aberrant splicing (PMID: 17576681, 9536098). Algorithms developed to predict the effect of sequence changes on RNA splicing suggest that this variant is not likely to affect RNA splicing. In summary, the available evidence is currently insufficient to determine the role of this variant in disease. Therefore, it has been classified as a Variant of Uncertain Significance.

Literature cited by the submitters: PubMed 17576681; PubMed 9536098.

NM_004370.6(COL12A1):c.394+3G>A

Gene: COL12A1 (collagen type XII alpha 1 chain; minus strand). Cytogenetic location: 6q13.
Variant type: single nucleotide variant.
Coding change: c.394+3G>A on transcript NM_004370.6 (MANE Select); 3 bases into the intron after coding-DNA position 394, G replaced by A.
Molecular consequence: intron variant.
Genome position (GRCh38, 1-based): chr6:75,191,698, C>T on the plus strand (G>A on the coding strand, the complement: COL12A1 is on the minus strand). VCF-style: chr6-75191698-C-T. GRCh37 (hg19) VCF-style: chr6-75901414-C-T.
Other names: c.73+11022G>A (NM_001424116.1, NM_080645.3); c.394+3G>A (NM_001424115.1, NM_001424114.1, NM_001424113.1).
Identifiers: ClinVar variation 2953810 (VCV002953810.3), dbSNP rs2533613179, ClinGen allele CA2520767478.